The following is an entry in ClinVar:

ClinVar aggregate classification (germline): Uncertain significance. Review status: criteria provided, multiple submitters, no conflicts (2 of 4 stars). 2 submissions from 2 submitters: Uncertain significance (2). Last evaluated 2022-01-02.

Conditions:
Intellectual developmental disorder, autosomal dominant 1. Also called: Intellectual disability, autosomal dominant 1; MBD5 Haploinsufficiency. Identifiers: Orphanet 228402, MedGen C1969562, MONDO:0007974, OMIM 156200.
Inborn genetic diseases. Identifiers: MedGen C0950123, MeSH D030342.

Submissions (2):

Labcorp Genetics (formerly Invitae), Labcorp
Classification: Uncertain significance for Intellectual developmental disorder, autosomal dominant 1. Last evaluated: 2022-01-02. Review status: criteria provided, single submitter. Criteria: Invitae Variant Classification Sherloc (09022015). Collection method: clinical testing. Allele origin: germline.
Comment: Algorithms developed to predict the effect of sequence changes on RNA splicing suggest that this variant may create or strengthen a splice site. Algorithms developed to predict the effect of missense changes on protein structure and function output the following: SIFT: "Deleterious"; PolyPhen-2: "Benign"; Align-GVGD: "Class C0". The glycine amino acid residue is found in multiple mammalian species, which suggests that this missense change does not adversely affect protein function. This variant has not been reported in the literature in individuals affected with MBD5-related conditions. This variant is present in population databases (no rsID available, gnomAD 0.007%). This sequence change replaces serine, which is neutral and polar, with glycine, which is neutral and non-polar, at codon 537 of the MBD5 protein (p.Ser537Gly). In summary, the available evidence is currently insufficient to determine the role of this variant in disease. Therefore, it has been classified as a Variant of Uncertain Significance.

Ambry Genetics
Classification: Uncertain significance for Inborn genetic diseases. Last evaluated: 2019-09-20. Review status: criteria provided, single submitter. Criteria: Ambry Variant Classification Scheme 2023. Collection method: clinical testing. Allele origin: germline.
Comment: The p.S537G variant (also known as c.1609A>G), located in coding exon 4 of the MBD5 gene, results from an A to G substitution at nucleotide position 1609. The serine at codon 537 is replaced by glycine, an amino acid with similar properties. This amino acid position is well conserved in available vertebrate species. In addition, this alteration is predicted to be tolerated by in silico analysis. Since supporting evidence is limited at this time, the clinical significance of this alteration remains unclear.

NM_001378120.1(MBD5):c.1609A>G (p.Ser537Gly)

Gene: MBD5 (methyl-CpG binding domain protein 5; plus strand). Cytogenetic location: 2q23.1.
Variant type: single nucleotide variant.
Coding change: c.1609A>G on transcript NM_001378120.1 (MANE Select); coding-DNA position 1609, A replaced by G.
Protein change: p.Ser537Gly; replaces serine 537 with glycine.
Molecular consequence: missense variant.
Genome position (GRCh38, 1-based): chr2:148,469,552, A>G. VCF-style: chr2-148469552-A-G. GRCh37 (hg19) VCF-style: chr2-149227121-A-G.
Other names: c.1609A>G, p.Ser537Gly (NM_018328.5); short protein forms S537G.
Identifiers: ClinVar variation 1776345 (VCV001776345.7), dbSNP rs1482470123, ClinGen allele CA348720050.